The following is an entry in ClinVar:

NM_000069.3(CACNA1S):c.1367A>C (p.Gln456Pro)

Gene: CACNA1S (calcium voltage-gated channel subunit alpha1 S; minus strand). Cytogenetic location: 1q32.1.
Variant type: single nucleotide variant.
Coding change: c.1367A>C on transcript NM_000069.3 (MANE Select); coding-DNA position 1367, A replaced by C.
Protein change: p.Gln456Pro; replaces glutamine 456 with proline.
Molecular consequence: missense variant.
Genome position (GRCh38, 1-based): chr1:201,083,188, T>G on the plus strand (A>C on the coding strand, the complement: CACNA1S is on the minus strand). VCF-style: chr1-201083188-T-G. GRCh37 (hg19) VCF-style: chr1-201052316-T-G.
Other names: short protein forms Q456P.
Identifiers: ClinVar variation 4758912 (VCV004758912.1).

ClinVar aggregate classification (germline): Uncertain significance (1 of 4 stars; one submission).

Conditions:
Malignant hyperthermia, susceptibility to, 5 (MHS5). Also called: CACNA1S-Related Malignant Hyperthermia Susceptibility. Identifiers: Orphanet 423, MedGen C1866077, MONDO:0011163, OMIM 601887.

Submission:

Color Diagnostics, LLC DBA Color Health
Classification: Uncertain significance for Malignant hyperthermia, susceptibility to, 5. Last evaluated: 2025-07-07. Review status: criteria provided, single submitter. Criteria: ACMG Guidelines, 2015. Collection method: clinical testing. Allele origin: germline.
Comment: This missense variant replaces glutamine with proline at codon 456 of the CACNA1S protein. Computational prediction suggests that this variant may have deleterious impact on protein structure and function. To our knowledge, functional studies have not been reported for this variant. This variant has not been reported in individuals affected with CACNA1S-related disorders in the literature. This variant has not been identified in the general population by the Genome Aggregation Database (gnomAD). The available evidence is insufficient to determine the role of this variant in disease conclusively. Therefore, this variant is classified as a Variant of Uncertain Significance.